The following is an entry in ClinVar:

ClinVar aggregate classification (germline): Uncertain significance (1 of 4 stars; one submission).

Conditions:
GM3 synthase deficiency (SPDRS). Also called: AMISH INFANTILE EPILEPSY SYNDROME; SALT AND PEPPER MENTAL RETARDATION SYNDROME; SALT AND PEPPER DEVELOPMENTAL REGRESSION SYNDROME. Identifiers: Orphanet 171714, Orphanet 370933, MedGen C1836824, MONDO:0018274, OMIM 609056.

Allele frequency attached by ClinVar (database versions not stated): gnomAD exomes 0.00001.
gnomAD v4.1: 4 of 1,614,052 alleles (0.00025%); highest among the groups gnomAD compares: Middle Eastern, 0.017%; no homozygotes.

Submission:

Labcorp Genetics (formerly Invitae), Labcorp
Classification: Uncertain significance for GM3 synthase deficiency. Last evaluated: 2021-09-02. Review status: criteria provided, single submitter. Criteria: Invitae Variant Classification Sherloc (09022015). Collection method: clinical testing. Allele origin: germline.
Comment: This sequence change replaces asparagine with serine at codon 366 of the ST3GAL5 protein (p.Asn366Ser). The asparagine residue is moderately conserved and there is a small physicochemical difference between asparagine and serine. This variant is not present in population databases (ExAC no frequency). This variant has not been reported in the literature in individuals affected with ST3GAL5-related conditions. Algorithms developed to predict the effect of missense changes on protein structure and function output the following: SIFT: "Tolerated"; PolyPhen-2: "Benign"; Align-GVGD: "Class C0". The serine amino acid residue is found in multiple mammalian species, which suggests that this missense change does not adversely affect protein function. Algorithms developed to predict the effect of sequence changes on RNA splicing suggest that this variant may create or strengthen a splice site. In summary, the available evidence is currently insufficient to determine the role of this variant in disease. Therefore, it has been classified as a Variant of Uncertain Significance.

NM_003896.4(ST3GAL5):c.1097A>G (p.Asn366Ser)

Gene: ST3GAL5 (ST3 beta-galactoside alpha-2,3-sialyltransferase 5; minus strand). Cytogenetic location: 2p11.2.
Variant type: single nucleotide variant.
Coding change: c.1097A>G on transcript NM_003896.4 (MANE Select); coding-DNA position 1097, A replaced by G.
Protein change: p.Asn366Ser; replaces asparagine 366 with serine.
Molecular consequence: missense variant.
Genome position (GRCh38, 1-based): chr2:85,840,304, T>C on the plus strand (A>G on the coding strand, the complement: ST3GAL5 is on the minus strand). VCF-style: chr2-85840304-T-C. GRCh37 (hg19) VCF-style: chr2-86067427-T-C.
Other names: c.1028A>G, p.Asn343Ser (NM_001042437.2); c.713A>G, p.Asn238Ser (NM_001354223.2, NM_001354224.2, NM_001354226.2 and 3 more transcripts); c.1013A>G, p.Asn338Ser (NM_001354227.2, NM_001354229.2, NM_001354238.1); c.374A>G, p.Asn125Ser (NM_001354247.1); c.938A>G, p.Asn313Ser (NM_001363847.1); short protein forms N125S, N238S, N313S, N338S, N343S, N366S.
Identifiers: ClinVar variation 1000196 (VCV001000196.6), dbSNP rs1681862398, ClinGen allele CA347503079.